The following is an entry in ClinVar:

NM_182641.4(BPTF):c.7100T>C (p.Val2367Ala)

Gene: BPTF (bromodomain PHD finger transcription factor; plus strand). Cytogenetic location: 17q24.2.
Variant type: single nucleotide variant.
Coding change: c.7100T>C on transcript NM_182641.4 (MANE Select); coding-DNA position 7100, T replaced by C.
Protein change: p.Val2367Ala; replaces valine 2367 with alanine.
Molecular consequence: missense variant.
Genome position (GRCh38, 1-based): chr17:67,945,808, T>C. VCF-style: chr17-67945808-T-C. GRCh37 (hg19) VCF-style: chr17-65941924-T-C.
Other names: c.7478T>C, p.Val2493Ala (NM_004459.7); short protein forms V2367A, V2493A.
Identifiers: ClinVar variation 2114944 (VCV002114944.4), dbSNP rs2065767003, ClinGen allele CA400724365.

ClinVar aggregate classification (germline): Uncertain significance (1 of 4 stars; one submission).

Allele frequency attached by ClinVar (database versions not stated): TOPMed below 0.00001.

Submission:

Labcorp Genetics (formerly Invitae), Labcorp
Classification: Uncertain significance. Last evaluated: 2022-03-20. Review status: criteria provided, single submitter. Criteria: Invitae Variant Classification Sherloc (09022015). Collection method: clinical testing. Allele origin: germline.
Comment: This sequence change replaces valine, which is neutral and non-polar, with alanine, which is neutral and non-polar, at codon 2493 of the BPTF protein (p.Val2493Ala). This variant is not present in population databases (gnomAD no frequency). This variant has not been reported in the literature in individuals affected with BPTF-related conditions. Algorithms developed to predict the effect of missense changes on protein structure and function (SIFT, PolyPhen-2, Align-GVGD) all suggest that this variant is likely to be tolerated. In summary, the available evidence is currently insufficient to determine the role of this variant in disease. Therefore, it has been classified as a Variant of Uncertain Significance.